The following is an entry in ClinVar:

NM_014585.6(SLC40A1):c.44-24G>C

Gene: SLC40A1 (solute carrier family 40 member 1; minus strand). Cytogenetic location: 2q32.2.
Variant type: single nucleotide variant.
Coding change: c.44-24G>C on transcript NM_014585.6 (MANE Select); 24 bases into the intron before coding-DNA position 44, G replaced by C.
Molecular consequence: intron variant.
Genome position (GRCh38, 1-based): chr2:189,579,904, C>G on the plus strand (G>C on the coding strand, the complement: SLC40A1 is on the minus strand). VCF-style: chr2-189579904-C-G. GRCh37 (hg19) VCF-style: chr2-190444630-C-G.
Identifiers: ClinVar variation 1166016 (VCV001166016.15), dbSNP rs1439816, ClinGen allele CA2024328.

ClinVar aggregate classification (germline): Benign. Review status: criteria provided, multiple submitters, no conflicts (2 of 4 stars). 5 submissions from 5 submitters: Benign (4). 1 of the submissions does not count toward it. Last evaluated 2025-12-15.

Conditions:
Hemochromatosis type 4 (HFE4). Also called: Ferroportin disease; HEMOCHROMATOSIS DUE TO DEFECT IN FERROPORTIN; HEMOCHROMATOSIS, AUTOSOMAL DOMINANT. Identifiers: Orphanet 139491, Orphanet 647834, Orphanet 648562, MedGen C1853733, MONDO:0011631, OMIM 606069.

Allele frequency attached by ClinVar (database versions not stated): gnomAD 0.69640 and 0.70442; 1000 Genomes Project 30x 0.64944; ESP Exome Variant Server 0.69022; TOPMed 0.68267; 1000 Genomes Project 0.65954; gnomAD exomes 0.79670 and 0.83322; ExAC 0.78715.
gnomAD v4.1: 1,322,221 of 1,612,528 alleles (82%); highest among the groups gnomAD compares: Non-Finnish European, 85%; 551,959 homozygotes.

Submissions (5):

Labcorp Genetics (formerly Invitae), Labcorp
Classification: Benign for Hemochromatosis type 4. Last evaluated: 2025-12-15. Review status: criteria provided, single submitter. Criteria: Invitae Variant Classification Sherloc (09022015). Collection method: clinical testing. Allele origin: germline.

Genome-Nilou Lab
Classification: Benign for Hemochromatosis type 4. Last evaluated: 2021-07-15. Review status: criteria provided, single submitter. Criteria: ACMG Guidelines, 2015. Collection method: clinical testing. Allele origin: germline. Affected: no.

GeneDx
Classification: Benign. Last evaluated: 2018-11-12. Review status: criteria provided, single submitter. Criteria: GeneDx Variant Classification Process June 2021. Collection method: clinical testing. Allele origin: germline. Affected: yes.
Comment: This variant is associated with the following publications: (PMID: 18820912, 25976471)

Breakthrough Genomics
Classification: Benign. Review status: criteria provided, single submitter. Criteria: ACMG Guidelines, 2015. Collection method: not provided. Allele origin: germline. Inheritance: Autosomal dominant inheritance. Affected: yes.

Génetica Clinica/ Bioquímica Clínica, Genética Hospital Universitario Miguel Servet
Classification: Uncertain significance for Hemochromatosis type 4. Review status: no assertion criteria provided. Collection method: clinical testing. Allele origin: unknown. Affected: yes. Not counted in ClinVar's aggregate classification.